The following is an entry in ClinVar:

ClinVar aggregate classification (germline): Uncertain significance (1 of 4 stars; one submission).

Conditions:
Osteogenesis imperfecta type I (OI1). Also called: Lobstein disease; Classic Non-deforming Osteogenesis Imperfecta with Blue Sclerae; Lobstein's Disease; Osteogenesis imperfecta type 1; OI, TYPE I; OSTEOGENESIS IMPERFECTA TARDA. Identifiers: Orphanet 216796, Orphanet 666, MedGen C0023931, MONDO:0008146, OMIM 166200. Disease mechanism: loss of function.

Allele frequency attached by ClinVar (database versions not stated): gnomAD exomes below 0.00001.

Submission:

Labcorp Genetics (formerly Invitae), Labcorp
Classification: Uncertain significance for Osteogenesis imperfecta type I. Last evaluated: 2021-12-18. Review status: criteria provided, single submitter. Criteria: Invitae Variant Classification Sherloc (09022015). Collection method: clinical testing. Allele origin: germline.
Comment: This variant has not been reported in the literature in individuals affected with COL1A1-related conditions. In summary, the available evidence is currently insufficient to determine the role of this variant in disease. Therefore, it has been classified as a Variant of Uncertain Significance. Advanced modeling of protein sequence and biophysical properties (such as structural, functional, and spatial information, amino acid conservation, physicochemical variation, residue mobility, and thermodynamic stability) performed at Invitae indicates that this missense variant is not expected to disrupt COL1A1 protein function. This variant is not present in population databases (gnomAD no frequency). This sequence change replaces isoleucine, which is neutral and non-polar, with leucine, which is neutral and non-polar, at codon 1107 of the COL1A1 protein (p.Ile1107Leu).

NM_000088.4(COL1A1):c.3319A>T (p.Ile1107Leu)

Gene: COL1A1 (collagen type I alpha 1 chain; minus strand). Cytogenetic location: 17q21.33.
Variant type: single nucleotide variant.
Coding change: c.3319A>T on transcript NM_000088.4 (MANE Select); coding-DNA position 3319, A replaced by T.
Protein change: p.Ile1107Leu; replaces isoleucine 1107 with leucine.
Molecular consequence: missense variant.
Genome position (GRCh38, 1-based): chr17:50,187,926, T>A on the plus strand (A>T on the coding strand, the complement: COL1A1 is on the minus strand). VCF-style: chr17-50187926-T-A. GRCh37 (hg19) VCF-style: chr17-48265287-T-A.
Other names: short protein forms I1107L.
Identifiers: ClinVar variation 1910555 (VCV001910555.5), dbSNP rs1598287007, ClinGen allele CA400199721.